The following is an entry in ClinVar:

NM_053025.4(MYLK):c.2987G>C (p.Gly996Ala)

Gene: MYLK (myosin light chain kinase; minus strand). Cytogenetic location: 3q21.1.
Variant type: single nucleotide variant.
Coding change: c.2987G>C on transcript NM_053025.4 (MANE Select); coding-DNA position 2987, G replaced by C.
Protein change: p.Gly996Ala; replaces glycine 996 with alanine.
Molecular consequence: missense variant.
Genome position (GRCh38, 1-based): chr3:123,700,481, C>G on the plus strand (G>C on the coding strand, the complement: MYLK is on the minus strand). VCF-style: chr3-123700481-C-G. GRCh37 (hg19) VCF-style: chr3-123419328-C-G.
Other names: c.2459G>C, p.Gly820Ala (NM_001321309.2); c.2780G>C, p.Gly927Ala (NM_053026.4, NM_053028.4); c.2987G>C, p.Gly996Ala (NM_053027.4); short protein forms G927A, G996A, G820A.
Identifiers: ClinVar variation 4698451 (VCV004698451.1).

ClinVar aggregate classification (germline): Uncertain significance (1 of 4 stars; one submission).

Conditions:
Aortic aneurysm, familial thoracic 7 (AAT7). Also called: AORTIC DISSECTION, FAMILIAL, WITH OR WITHOUT AORTIC ANEURYSM. Identifiers: MedGen C3151077, MONDO:0013418, OMIM 613780.

gnomAD v4.1: 2 of 1,607,676 alleles (0.00012%); highest among the groups gnomAD compares: Non-Finnish European, 0.00017%; no homozygotes.

Submission:

Labcorp Genetics (formerly Invitae), Labcorp
Classification: Uncertain significance for Aortic aneurysm, familial thoracic 7. Last evaluated: 2025-08-10. Review status: criteria provided, single submitter. Criteria: Invitae Variant Classification Sherloc (09022015). Collection method: clinical testing. Allele origin: germline.
Comment: This sequence change replaces glycine, which is neutral and non-polar, with alanine, which is neutral and non-polar, at codon 996 of the MYLK protein (p.Gly996Ala). This variant is present in population databases (rs761654890, gnomAD 0.0009%). This variant has not been reported in the literature in individuals affected with MYLK-related conditions. Invitae Evidence Modeling of protein sequence and biophysical properties (such as structural, functional, and spatial information, amino acid conservation, physicochemical variation, residue mobility, and thermodynamic stability) indicates that this missense variant is not expected to disrupt MYLK protein function with a negative predictive value of 80%. In summary, the available evidence is currently insufficient to determine the role of this variant in disease. Therefore, it has been classified as a Variant of Uncertain Significance.